The following is an entry in ClinVar:

ClinVar aggregate classification (germline): Uncertain significance (1 of 4 stars; one submission).

Submission:

Labcorp Genetics (formerly Invitae), Labcorp
Classification: Uncertain significance. Last evaluated: 2023-03-08. Review status: criteria provided, single submitter. Criteria: Invitae Variant Classification Sherloc (09022015). Collection method: clinical testing. Allele origin: germline.
Comment: In summary, the available evidence is currently insufficient to determine the role of this variant in disease. Therefore, it has been classified as a Variant of Uncertain Significance. An algorithm developed to predict the effect of missense changes on protein structure and function (PolyPhen-2) suggests that this variant is likely to be disruptive. This variant has not been reported in the literature in individuals affected with RRAS2-related conditions. This variant is not present in population databases (gnomAD no frequency). This sequence change replaces lysine, which is basic and polar, with asparagine, which is neutral and polar, at codon 106 of the RRAS2 protein (p.Lys106Asn).

NM_012250.6(RRAS2):c.318G>C (p.Lys106Asn)

Gene: RRAS2 (RAS related 2; minus strand). Cytogenetic location: 11p15.2.
Variant type: single nucleotide variant.
Coding change: c.318G>C on transcript NM_012250.6 (MANE Select); coding-DNA position 318, G replaced by C.
Protein change: p.Lys106Asn; replaces lysine 106 with asparagine.
Molecular consequence: missense variant.
Genome position (GRCh38, 1-based): chr11:14,294,561, C>G on the plus strand (G>C on the coding strand, the complement: RRAS2 is on the minus strand). VCF-style: chr11-14294561-C-G. GRCh37 (hg19) VCF-style: chr11-14316107-C-G.
Other names: c.87G>C, p.Lys29Asn (NM_001102669.3, NM_001177315.2); c.213G>C, p.Lys71Asn (NM_001177314.2); short protein forms K71N, K106N, K29N.
Identifiers: ClinVar variation 2793146 (VCV002793146.3), dbSNP rs2494137928, ClinGen allele CA379860197.